The following is an entry in ClinVar:

ClinVar aggregate classification (germline): Uncertain significance. Review status: criteria provided, multiple submitters, no conflicts (2 of 4 stars). 2 submissions from 2 submitters: Uncertain significance (2). Last evaluated 2025-07-16.

Conditions:
Hereditary cancer-predisposing syndrome. Also called: Hereditary neoplastic syndrome; Neoplastic Syndromes, Hereditary; Tumor predisposition; Hereditary Cancer Syndrome. Identifiers: Orphanet 140162, MedGen C0027672, MeSH D009386, MONDO:0015356.

Submissions (2):

Ambry Genetics
Classification: Uncertain significance for Hereditary cancer-predisposing syndrome. Last evaluated: 2025-07-16. Review status: criteria provided, single submitter. Criteria: Ambry Variant Classification Scheme 2023. Collection method: clinical testing. Allele origin: germline.
Comment: The p.A2037D variant (also known as c.6110C>A), located in coding exon 44 of the POLE gene, results from a C to A substitution at nucleotide position 6110. The alanine at codon 2037 is replaced by aspartic acid, an amino acid with dissimilar properties. This amino acid position is conserved. In addition, this alteration is predicted to be tolerated by in silico analysis. Since supporting evidence is limited at this time, the clinical significance of this alteration remains unclear.

Labcorp Genetics (formerly Invitae), Labcorp
Classification: Uncertain significance. Last evaluated: 2024-01-28. Review status: criteria provided, single submitter. Criteria: Invitae Variant Classification Sherloc (09022015). Collection method: clinical testing. Allele origin: germline.
Comment: This sequence change replaces alanine, which is neutral and non-polar, with aspartic acid, which is acidic and polar, at codon 2037 of the POLE protein (p.Ala2037Asp). This variant is not present in population databases (gnomAD no frequency). This variant has not been reported in the literature in individuals affected with POLE-related conditions. ClinVar contains an entry for this variant (Variation ID: 1034517). Advanced modeling of protein sequence and biophysical properties (such as structural, functional, and spatial information, amino acid conservation, physicochemical variation, residue mobility, and thermodynamic stability) performed at Invitae indicates that this missense variant is not expected to disrupt POLE protein function with a negative predictive value of 80%. In summary, the available evidence is currently insufficient to determine the role of this variant in disease. Therefore, it has been classified as a Variant of Uncertain Significance.

NM_006231.4(POLE):c.6110C>A (p.Ala2037Asp)

Gene: POLE (DNA polymerase epsilon, catalytic subunit; minus strand). Cytogenetic location: 12q24.33.
Variant type: single nucleotide variant.
Coding change: c.6110C>A on transcript NM_006231.4 (MANE Select); coding-DNA position 6110, C replaced by A.
Protein change: p.Ala2037Asp; replaces alanine 2037 with aspartic acid.
Molecular consequence: missense variant.
Genome position (GRCh38, 1-based): chr12:132,632,690, G>T on the plus strand (C>A on the coding strand, the complement: POLE is on the minus strand). VCF-style: chr12-132632690-G-T. GRCh37 (hg19) VCF-style: chr12-133209276-G-T.
Other names: c.6110C>A (NM_006231.2); short protein forms A2037D.
Identifiers: ClinVar variation 1034517 (VCV001034517.9), dbSNP rs2041958511, ClinGen allele CA387370375.